The following is an entry in ClinVar:

NM_024809.5(TCTN2):c.1794C>G (p.Tyr598Ter)

Gene: TCTN2 (tectonic family member 2; plus strand). Cytogenetic location: 12q24.31.
Variant type: single nucleotide variant.
Coding change: c.1794C>G on transcript NM_024809.5 (MANE Select); coding-DNA position 1794, C replaced by G.
Protein change: p.Tyr598Ter; replaces tyrosine 598 with a stop codon.
Molecular consequence: nonsense.
Genome position (GRCh38, 1-based): chr12:123,706,750, C>G. VCF-style: chr12-123706750-C-G. GRCh37 (hg19) VCF-style: chr12-124191297-C-G.
Other names: c.1791C>G, p.Tyr597Ter (NM_001143850.3); c.1659C>G, p.Tyr553Ter (NM_001410989.1); short protein forms Y553*, Y597*, Y598*.
Identifiers: ClinVar variation 3389965 (VCV003389965.14).

ClinVar aggregate classification (germline): Pathogenic (1 of 4 stars; one submission).

Submission:

CeGaT Center for Human Genetics Tuebingen
Classification: Pathogenic. Last evaluated: 2024-10-01. Review status: criteria provided, single submitter. Criteria: CeGaT Center For Human Genetics Tuebingen Variant Classification Criteria Version 2. Collection method: clinical testing. Allele origin: germline. Affected: yes. Observed: 1 variant allele.
Comment: TCTN2: PVS1, PM2